The following is an entry in ClinVar:

ClinVar aggregate classification (germline): Pathogenic (1 of 4 stars; one submission).

Conditions:
UDPglucose-4-epimerase deficiency. Also called: Epimerase Deficiency Galactosemia; GALACTOSEMIA III; GALE DEFICIENCY; UDP-GALACTOSE-4-EPIMERASE DEFICIENCY; Galactose epimerase deficiency; UDPglucose 4-Epimerase Deficiency Disease. Identifiers: Orphanet 352, Orphanet 79238, MedGen C0751161, MONDO:0009257, OMIM 230350.

Submission:

Labcorp Genetics (formerly Invitae), Labcorp
Classification: Pathogenic for UDPglucose-4-epimerase deficiency. Last evaluated: 2025-12-23. Review status: criteria provided, single submitter. Criteria: Invitae Variant Classification Sherloc (09022015). Collection method: clinical testing. Allele origin: germline.
Comment: This sequence change creates a premature translational stop signal (p.Gln261*) in the GALE gene. It is expected to result in an absent or disrupted protein product. Loss-of-function variants in GALE are known to be pathogenic (PMID: 16301867). This variant is not present in population databases (gnomAD no frequency). This variant has not been reported in the literature in individuals affected with GALE-related conditions. Algorithms developed to predict the effect of sequence changes on RNA splicing suggest that this variant may disrupt the consensus splice site. For these reasons, this variant has been classified as Pathogenic.

Literature cited by the submitters: PubMed 16301867.

NM_001008216.2(GALE):c.781C>T (p.Gln261Ter)

Gene: GALE (UDP-galactose-4-epimerase; minus strand). Cytogenetic location: 1p36.11.
Variant type: single nucleotide variant.
Coding change: c.781C>T on transcript NM_001008216.2 (MANE Select); coding-DNA position 781, C replaced by T.
Protein change: p.Gln261Ter; replaces glutamine 261 with a stop codon.
Molecular consequence: nonsense.
Genome position (GRCh38, 1-based): chr1:23,796,711, G>A on the plus strand (C>T on the coding strand, the complement: GALE is on the minus strand). VCF-style: chr1-23796711-G-A. GRCh37 (hg19) VCF-style: chr1-24123201-G-A.
Other names: c.781C>T, p.Gln261Ter (NM_000403.4, NM_001127621.2); short protein forms Q261*.
Identifiers: ClinVar variation 4769585 (VCV004769585.1).